The following is an entry in ClinVar:

ClinVar aggregate classification (germline): Uncertain significance. Review status: criteria provided, multiple submitters, no conflicts (2 of 4 stars). 2 submissions from 2 submitters: Uncertain significance (2). Last evaluated 2024-10-17.

Allele frequency attached by ClinVar (database versions not stated): gnomAD 0.00009 and 0.00010; gnomAD exomes 0.00004; TOPMed 0.00010; ExAC 0.00003; ESP Exome Variant Server 0.00024.

Submissions (2):

Ambry Genetics
Classification: Uncertain significance. Last evaluated: 2024-10-17. Review status: criteria provided, single submitter. Criteria: Ambry Variant Classification Scheme 2023. Collection method: clinical testing. Allele origin: germline.

Labcorp Genetics (formerly Invitae), Labcorp
Classification: Uncertain significance. Last evaluated: 2021-12-03. Review status: criteria provided, single submitter. Criteria: Invitae Variant Classification Sherloc (09022015). Collection method: clinical testing. Allele origin: germline.
Comment: This sequence change replaces valine, which is neutral and non-polar, with isoleucine, which is neutral and non-polar, at codon 62 of the KIAA1161 protein (p.Val62Ile). This variant is present in population databases (rs369886696, gnomAD 0.01%). This variant has not been reported in the literature in individuals affected with KIAA1161-related conditions. Algorithms developed to predict the effect of missense changes on protein structure and function are either unavailable or do not agree on the potential impact of this missense change (SIFT: "Tolerated"; PolyPhen-2: "Not Available"; Align-GVGD: "Class C0"). In summary, the available evidence is currently insufficient to determine the role of this variant in disease. Therefore, it has been classified as a Variant of Uncertain Significance.

NM_020702.5(MYORG):c.184G>A (p.Val62Ile)

Gene: MYORG (myogenesis regulating glycosidase; minus strand). Cytogenetic location: 9p13.3.
Variant type: single nucleotide variant.
Coding change: c.184G>A on transcript NM_020702.5 (MANE Select); coding-DNA position 184, G replaced by A.
Protein change: p.Val62Ile; replaces valine 62 with isoleucine.
Molecular consequence: missense variant.
Genome position (GRCh38, 1-based): chr9:34,372,760, C>T on the plus strand (G>A on the coding strand, the complement: MYORG is on the minus strand). VCF-style: chr9-34372760-C-T. GRCh37 (hg19) VCF-style: chr9-34372758-C-T.
Other names: c.184G>A (NM_020702.3); short protein forms V62I.
Identifiers: ClinVar variation 1681328 (VCV001681328.7), dbSNP rs369886696, ClinGen allele CA5033221.